The following is an entry in ClinVar:

ClinVar aggregate classification (germline): Uncertain significance. Review status: criteria provided, multiple submitters, no conflicts (2 of 4 stars). 2 submissions from 2 submitters: Uncertain significance (2). Last evaluated 2025-01-03.

Conditions:
Catecholaminergic polymorphic ventricular tachycardia 1. Also called: VENTRICULAR TACHYCARDIA, CATECHOLAMINERGIC POLYMORPHIC, 1, WITH OR WITHOUT ATRIAL DYSFUNCTION AND/OR DILATED CARDIOMYOPATHY; VENTRICULAR TACHYCARDIA, STRESS-INDUCED POLYMORPHIC 1; RYR2-Related Catecholaminergic Polymorphic Ventricular Tachycardia. Identifiers: Orphanet 3286, MedGen C1631597, MONDO:0011484, OMIM 604772.
Ventricular arrhythmias due to cardiac ryanodine receptor calcium release deficiency syndrome. Also called: Autosomal dominant cardiac arrhythmia (Kuhn). Identifiers: MedGen C5542154, MONDO:0020745, OMIM 115000.
Cardiovascular phenotype. Identifiers: MedGen CN230736.

Allele frequency attached by ClinVar (database versions not stated): TOPMed below 0.00001.

Submissions (2):

Ambry Genetics
Classification: Uncertain significance for Cardiovascular phenotype. Last evaluated: 2025-01-03. Review status: criteria provided, single submitter. Criteria: Ambry Variant Classification Scheme 2023. Collection method: clinical testing. Allele origin: germline.
Comment: The p.L3724F variant (also known as c.11170C>T), located in coding exon 81 of the RYR2 gene, results from a C to T substitution at nucleotide position 11170. The leucine at codon 3724 is replaced by phenylalanine, an amino acid with highly similar properties. This amino acid position is highly conserved in available vertebrate species. In addition, the in silico prediction for this alteration is inconclusive. Based on the available evidence, the clinical significance of this variant remains unclear.

Institute of Immunology and Genetics Kaiserslautern
Classification: Uncertain significance for Ventricular arrhythmias due to cardiac ryanodine receptor calcium release deficiency syndrome; Catecholaminergic polymorphic ventricular tachycardia 1. Last evaluated: 2024-04-25. Review status: criteria provided, single submitter. Criteria: ACMG Guidelines, 2015. Collection method: clinical testing. Allele origin: germline. Affected: yes.
Comment: ACMG Criteria: PM2; Variant was found in heterozygous state

NM_001035.3(RYR2):c.11170C>T (p.Leu3724Phe)

Gene: RYR2 (ryanodine receptor 2; plus strand). Cytogenetic location: 1q43.
Variant type: single nucleotide variant.
Coding change: c.11170C>T on transcript NM_001035.3 (MANE Select); coding-DNA position 11170, C replaced by T.
Protein change: p.Leu3724Phe; replaces leucine 3724 with phenylalanine.
Molecular consequence: missense variant.
Genome position (GRCh38, 1-based): chr1:237,756,312, C>T. VCF-style: chr1-237756312-C-T. GRCh37 (hg19) VCF-style: chr1-237919612-C-T.
Other names: short protein forms L3724F.
Identifiers: ClinVar variation 3235084 (VCV003235084.2), dbSNP rs1306357411, ClinGen allele CA345425804.
Genomic context (GRCh38, chr1:237,756,312, plus strand): 5'-ATACCCTCAACATAAATGGTTGGGATTTGTGTTCAGGAAAAAGAAATGGAAAAGCAAAAG[C>T]TTCTATACCAGCAAGCCCGACTCCACGATCGTGGCGCGGCTGAGATGGTGCTACAGACAA-3'
Protein context (NP_001026.2, residues 3714-3734): FEEKEMEKQK[Leu3724Phe]LYQQARLHDR